The following is an entry in ClinVar:

ClinVar aggregate classification (germline): Uncertain significance. Review status: criteria provided, multiple submitters, no conflicts (2 of 4 stars). 2 submissions from 2 submitters: Uncertain significance (2). Last evaluated 2026-07-03.

Conditions:
Predisposition to invasive fungal disease due to CARD9 deficiency (IMD103). Also called: IMMUNODEFICIENCY 103, SUSCEPTIBILITY TO FUNGAL INFECTIONS; CARD9 IMMUNODEFICIENCY; Candidiasis, familial, 2, autosomal recessive. Identifiers: Orphanet 457088, MedGen C1859353, MONDO:0008905, OMIM 212050.
Inborn genetic diseases. Identifiers: MedGen C0950123, MeSH D030342.

Submissions (2):

Ambry Genetics
Classification: Uncertain significance for Inborn genetic diseases. Last evaluated: 2026-07-03. Review status: criteria provided, single submitter. Criteria: Ambry Variant Classification Scheme 2023. Collection method: clinical testing. Allele origin: germline.

Labcorp Genetics (formerly Invitae), Labcorp
Classification: Uncertain significance for Predisposition to invasive fungal disease due to CARD9 deficiency. Last evaluated: 2024-10-29. Review status: criteria provided, single submitter. Criteria: Invitae Variant Classification Sherloc (09022015). Collection method: clinical testing. Allele origin: germline.
Comment: This sequence change replaces glutamic acid, which is acidic and polar, with alanine, which is neutral and non-polar, at codon 497 of the CARD9 protein (p.Glu497Ala). This variant is not present in population databases (gnomAD no frequency). This variant has not been reported in the literature in individuals affected with CARD9-related conditions. An algorithm developed to predict the effect of missense changes on protein structure and function (PolyPhen-2) suggests that this variant is likely to be tolerated. In summary, the available evidence is currently insufficient to determine the role of this variant in disease. Therefore, it has been classified as a Variant of Uncertain Significance.

NM_052813.5(CARD9):c.1490A>C (p.Glu497Ala)

Gene: CARD9 (caspase recruitment domain family member 9; minus strand). Cytogenetic location: 9q34.3.
Variant type: single nucleotide variant.
Coding change: c.1490A>C on transcript NM_052813.5 (MANE Select); coding-DNA position 1490, A replaced by C.
Protein change: p.Glu497Ala; replaces glutamic acid 497 with alanine.
Molecular consequence: missense variant. On other transcripts: intron variant (1).
Genome position (GRCh38, 1-based): chr9:136,364,504, T>G on the plus strand (A>C on the coding strand, the complement: CARD9 is on the minus strand). VCF-style: chr9-136364504-T-G. GRCh37 (hg19) VCF-style: chr9-139258956-T-G.
Other names: c.1441+49A>C (NM_052814.4); short protein forms E497A.
Identifiers: ClinVar variation 3693858 (VCV003693858.3).